The following is an entry in ClinVar:

ClinVar aggregate classification (germline): Uncertain significance. Review status: criteria provided, multiple submitters, no conflicts (2 of 4 stars). 3 submissions from 3 submitters: Uncertain significance (3). Last evaluated 2025-02-10.

gnomAD v4.1: 33 of 1,613,940 alleles (0.002%); highest among the groups gnomAD compares: East Asian, 0.0067%; no homozygotes.

Submissions (3):

GeneDx
Classification: Uncertain significance. Last evaluated: 2025-02-10. Review status: criteria provided, single submitter. Criteria: GeneDx Variant Classification Process June 2021. Collection method: clinical testing. Allele origin: germline. Affected: yes.
Comment: Not observed at significant frequency in large population cohorts (gnomAD); In silico analysis supports that this missense variant has a deleterious effect on protein structure/function; This variant is associated with the following publications: (PMID: 24463507)

Blueprint Genetics
Classification: Uncertain significance. Last evaluated: 2024-10-23. Review status: criteria provided, single submitter. Criteria: ACMG Guidelines, 2015. Collection method: clinical testing. Allele origin: germline.

Labcorp Genetics (formerly Invitae), Labcorp
Classification: Uncertain significance. Last evaluated: 2024-04-25. Review status: criteria provided, single submitter. Criteria: Invitae Variant Classification Sherloc (09022015). Collection method: clinical testing. Allele origin: germline.
Comment: This sequence change replaces proline, which is neutral and non-polar, with leucine, which is neutral and non-polar, at codon 207 of the PAX5 protein (p.Pro207Leu). This variant is present in population databases (rs759872013, gnomAD 0.006%). This missense change has been observed in individual(s) with schizophrenia (PMID: 24463507). Advanced modeling of protein sequence and biophysical properties (such as structural, functional, and spatial information, amino acid conservation, physicochemical variation, residue mobility, and thermodynamic stability) performed at Invitae indicates that this missense variant is not expected to disrupt PAX5 protein function with a negative predictive value of 80%. In summary, the available evidence is currently insufficient to determine the role of this variant in disease. Therefore, it has been classified as a Variant of Uncertain Significance.

Literature cited by the submitters: PubMed 24463507 (cited by Labcorp Genetics (formerly Invitae), Labcorp).

NM_016734.3(PAX5):c.620C>T (p.Pro207Leu)

Gene: PAX5 (paired box 5; minus strand). Cytogenetic location: 9p13.2.
Variant type: single nucleotide variant.
Coding change: c.620C>T on transcript NM_016734.3 (MANE Select); coding-DNA position 620, C replaced by T.
Protein change: p.Pro207Leu; replaces proline 207 with leucine.
Molecular consequence: missense variant. On other transcripts: non-coding transcript variant (2).
Genome position (GRCh38, 1-based): chr9:36,966,709, G>A on the plus strand (C>T on the coding strand, the complement: PAX5 is on the minus strand). VCF-style: chr9-36966709-G-A. GRCh37 (hg19) VCF-style: chr9-36966706-G-A.
Other names: c.620C>T, p.Pro207Leu (NM_001280547.2, NM_001280548.2, NM_001280549.2 and 2 more transcripts); c.296C>T, p.Pro99Leu (NM_001280551.2, NM_001280556.2); c.491C>T, p.Pro164Leu (NM_001280553.2, NM_001280554.2); c.422C>T, p.Pro141Leu (NM_001280555.2); c.620C>T (NM_016734.2); short protein forms P141L, P207L, P99L, P164L.
Identifiers: ClinVar variation 3720880 (VCV003720880.4).